The following is an entry in ClinVar:

NM_144631.6(ZNF513):c.686C>A (p.Ala229Glu)

Gene: ZNF513 (zinc finger protein 513; minus strand). Cytogenetic location: 2p23.3.
Variant type: single nucleotide variant.
Coding change: c.686C>A on transcript NM_144631.6 (MANE Select); coding-DNA position 686, C replaced by A.
Protein change: p.Ala229Glu; replaces alanine 229 with glutamic acid.
Molecular consequence: missense variant.
Genome position (GRCh38, 1-based): chr2:27,378,580, G>T on the plus strand (C>A on the coding strand, the complement: ZNF513 is on the minus strand). VCF-style: chr2-27378580-G-T. GRCh37 (hg19) VCF-style: chr2-27601447-G-T.
Other names: c.500C>A, p.Ala167Glu (NM_001201459.2); short protein forms A167E, A229E.
Identifiers: ClinVar variation 2784373 (VCV002784373.3), dbSNP rs755840263, ClinGen allele CA1577999.

ClinVar aggregate classification (germline): Uncertain significance (1 of 4 stars; one submission).

Allele frequency attached by ClinVar (database versions not stated): TOPMed below 0.00001; gnomAD 0.00001; ExAC 0.00002.

Submission:

Labcorp Genetics (formerly Invitae), Labcorp
Classification: Uncertain significance. Last evaluated: 2023-04-07. Review status: criteria provided, single submitter. Criteria: Invitae Variant Classification Sherloc (09022015). Collection method: clinical testing. Allele origin: germline.
Comment: In summary, the available evidence is currently insufficient to determine the role of this variant in disease. Therefore, it has been classified as a Variant of Uncertain Significance. An algorithm developed to predict the effect of missense changes on protein structure and function (PolyPhen-2) suggests that this variant is likely to be tolerated. This variant has not been reported in the literature in individuals affected with ZNF513-related conditions. This variant is present in population databases (rs755840263, gnomAD 0.007%). This sequence change replaces alanine, which is neutral and non-polar, with glutamic acid, which is acidic and polar, at codon 229 of the ZNF513 protein (p.Ala229Glu).